The following is an entry in ClinVar:

ClinVar aggregate classification (germline): Likely pathogenic. Review status: criteria provided, multiple submitters, no conflicts (2 of 4 stars). 2 submissions from 2 submitters: Likely pathogenic (2). Last evaluated 2025-12-14.

Conditions:
PGM1-congenital disorder of glycosylation. Also called: CDG It; Congenital disorder of glycosylation type 1t; PHOSPHOGLUCOMUTASE 1 DEFICIENCY; PGM1 DEFICIENCY; GLYCOGEN STORAGE DISEASE XIV; GSD XIV. Identifiers: Orphanet 319646, MedGen C2752015, MONDO:0013968, OMIM 614921.
PGM1-related disorder. Also called: PGM1-related disorders; PGM1-related condition.

gnomAD v4.1: 1 of 1,612,444 alleles (0.000062%); highest among the groups gnomAD compares: African/African-American, 0.0013%; no homozygotes.

Submissions (2):

PreventionGenetics, part of Exact Sciences
Classification: Likely pathogenic for PGM1-related condition. Last evaluated: 2025-12-14. Review status: criteria provided, single submitter. Criteria: ACMG Guidelines, 2015. Collection method: clinical testing. Allele origin: germline.
Comment: The PGM1 c.689G>A variant is predicted to result in the amino acid substitution p.Gly230Glu. This variant was reported in the homozygous state in individuals with biochemical and clinical features consistent with Phosphoglucomutase deficiency (Wong et al. 2016. PubMed ID: 27206562; Fernlund et al. 2020. PubMed ID: 33302605). This variant has not been reported in a large population database (gnomAD), indicating this variant is rare. This variant is interpreted as likely pathogenic.

Revvity Omics, Revvity
Classification: Likely pathogenic for PGM1-congenital disorder of glycosylation. Last evaluated: 2023-10-30. Review status: criteria provided, single submitter. Criteria: ACMG Guidelines, 2015. Collection method: clinical testing. Allele origin: germline.

NM_002633.3(PGM1):c.689G>A (p.Gly230Glu)

Gene: PGM1 (phosphoglucomutase 1; plus strand). Cytogenetic location: 1p31.3.
Variant type: single nucleotide variant.
Coding change: c.689G>A on transcript NM_002633.3 (MANE Select); coding-DNA position 689, G replaced by A.
Protein change: p.Gly230Glu; replaces glycine 230 with glutamic acid.
Molecular consequence: missense variant.
Genome position (GRCh38, 1-based): chr1:63,634,835, G>A. VCF-style: chr1-63634835-G-A. GRCh37 (hg19) VCF-style: chr1-64100506-G-A.
Other names: c.689G>A (NM_002633.2); c.743G>A, p.Gly248Glu (NM_001172818.1); c.98G>A, p.Gly33Glu (NM_001172819.2); short protein forms G230E, G248E, G33E.
Identifiers: ClinVar variation 2690669 (VCV002690669.3), dbSNP rs2523892266, ClinGen allele CA340649499.
Genomic context (GRCh38, chr1:63,634,835, plus strand): 5'-TTTAAGGAGTTTTATTTTCTGATTCTGCATACATTTATTCCATGCTGTATATAGTTGTGG[G>A]ACCGTATGTAAAGAAGATCCTCTGTGAAGAACTCGGTGCCCCTGCGAACTCGGCAGTTAA-3'
Protein context (NP_002624.2, residues 220-240): IRIDAMHGVV[Gly230Glu]PYVKKILCEE